The following is an entry in ClinVar:

NM_000327.4(ROM1):c.1048G>A (p.Glu350Lys)

Gene: ROM1 (retinal outer segment membrane protein 1; plus strand). Cytogenetic location: 11q12.3.
Variant type: single nucleotide variant.
Coding change: c.1048G>A on transcript NM_000327.4 (MANE Select); coding-DNA position 1048, G replaced by A.
Protein change: p.Glu350Lys; replaces glutamic acid 350 with lysine.
Molecular consequence: missense variant.
Genome position (GRCh38, 1-based): chr11:62,614,831, G>A. VCF-style: chr11-62614831-G-A. GRCh37 (hg19) VCF-style: chr11-62382303-G-A.
Other names: short protein forms E350K.
Identifiers: ClinVar variation 2756191 (VCV002756191.3), dbSNP rs1942991487, ClinGen allele CA380973651.

ClinVar aggregate classification (germline): Uncertain significance (1 of 4 stars; one submission).

Allele frequency attached by ClinVar (database versions not stated): gnomAD exomes below 0.00001; gnomAD 0.00001.
gnomAD v4.1: 2 of 1,613,162 alleles (0.00012%); highest among the groups gnomAD compares: Middle Eastern, 0.017%; no homozygotes.

Submission:

Labcorp Genetics (formerly Invitae), Labcorp
Classification: Uncertain significance. Last evaluated: 2024-03-14. Review status: criteria provided, single submitter. Criteria: Invitae Variant Classification Sherloc (09022015). Collection method: clinical testing. Allele origin: germline.
Comment: This sequence change replaces glutamic acid, which is acidic and polar, with lysine, which is basic and polar, at codon 350 of the ROM1 protein (p.Glu350Lys). This variant is not present in population databases (gnomAD no frequency). This variant has not been reported in the literature in individuals affected with ROM1-related conditions. An algorithm developed to predict the effect of missense changes on protein structure and function (PolyPhen-2) suggests that this variant is likely to be disruptive. In summary, the available evidence is currently insufficient to determine the role of this variant in disease. Therefore, it has been classified as a Variant of Uncertain Significance.